The following is an entry in ClinVar:

NM_172364.5(CACNA2D4):c.514A>T (p.Asn172Tyr)

Gene: CACNA2D4 (calcium voltage-gated channel auxiliary subunit alpha2delta 4; minus strand). Cytogenetic location: 12p13.33.
Variant type: single nucleotide variant.
Coding change: c.514A>T on transcript NM_172364.5 (MANE Select); coding-DNA position 514, A replaced by T.
Protein change: p.Asn172Tyr; replaces asparagine 172 with tyrosine.
Molecular consequence: missense variant.
Genome position (GRCh38, 1-based): chr12:1,908,010, T>A on the plus strand (A>T on the coding strand, the complement: CACNA2D4 is on the minus strand). VCF-style: chr12-1908010-T-A. GRCh37 (hg19) VCF-style: chr12-2017176-T-A.
Other names: short protein forms N172Y.
Identifiers: ClinVar variation 1513593 (VCV001513593.8), dbSNP rs1866708435, ClinGen allele CA383364583.

ClinVar aggregate classification (germline): Uncertain significance (1 of 4 stars; one submission).

Allele frequency attached by ClinVar (database versions not stated): TOPMed below 0.00001.

Submission:

Labcorp Genetics (formerly Invitae), Labcorp
Classification: Uncertain significance. Last evaluated: 2022-10-18. Review status: criteria provided, single submitter. Criteria: Invitae Variant Classification Sherloc (09022015). Collection method: clinical testing. Allele origin: germline.
Comment: This sequence change replaces asparagine, which is neutral and polar, with tyrosine, which is neutral and polar, at codon 172 of the CACNA2D4 protein (p.Asn172Tyr). This variant is not present in population databases (gnomAD no frequency). This variant has not been reported in the literature in individuals affected with CACNA2D4-related conditions. ClinVar contains an entry for this variant (Variation ID: 1513593). Algorithms developed to predict the effect of missense changes on protein structure and function (SIFT, PolyPhen-2, Align-GVGD) all suggest that this variant is likely to be disruptive. In summary, the available evidence is currently insufficient to determine the role of this variant in disease. Therefore, it has been classified as a Variant of Uncertain Significance.